The following is an entry in ClinVar:

NM_001142800.2(EYS):c.7326T>G (p.Tyr2442Ter)

Gene: EYS (EGF-like photoreceptor maintenance factor; minus strand). Cytogenetic location: 6q12.
Variant type: single nucleotide variant.
Coding change: c.7326T>G on transcript NM_001142800.2 (MANE Select); coding-DNA position 7326, T replaced by G.
Protein change: p.Tyr2442Ter; replaces tyrosine 2442 with a stop codon.
Molecular consequence: nonsense.
Genome position (GRCh38, 1-based): chr6:63,806,275, A>C on the plus strand (T>G on the coding strand, the complement: EYS is on the minus strand). VCF-style: chr6-63806275-A-C. GRCh37 (hg19) VCF-style: chr6-64516168-A-C.
Other names: c.7326T>G, p.Tyr2442Ter (NM_001292009.2); short protein forms Y2442*.
Identifiers: ClinVar variation 1453199 (VCV001453199.6), dbSNP rs1770906719, ClinGen allele CA364387785.

ClinVar aggregate classification (germline): Pathogenic (1 of 4 stars; one submission).

Submission:

Labcorp Genetics (formerly Invitae), Labcorp
Classification: Pathogenic. Last evaluated: 2021-08-12. Review status: criteria provided, single submitter. Criteria: Invitae Variant Classification Sherloc (09022015). Collection method: clinical testing. Allele origin: germline.
Comment: For these reasons, this variant has been classified as Pathogenic. This sequence change creates a premature translational stop signal (p.Tyr2442*) in the EYS gene. It is expected to result in an absent or disrupted protein product. Loss-of-function variants in EYS are known to be pathogenic (PMID: 18836446, 20333770). This variant is not present in population databases (ExAC no frequency). This variant has not been reported in the literature in individuals affected with EYS-related conditions.

Literature cited by the submitters: PubMed 18836446; PubMed 20333770.